The following is an entry in ClinVar:

NM_133259.4(LRPPRC):c.910G>T (p.Asp304Tyr)

Gene: LRPPRC (leucine rich pentatricopeptide repeat containing; minus strand). Cytogenetic location: 2p21.
Variant type: single nucleotide variant.
Coding change: c.910G>T on transcript NM_133259.4 (MANE Select); coding-DNA position 910, G replaced by T.
Protein change: p.Asp304Tyr; replaces aspartic acid 304 with tyrosine.
Molecular consequence: missense variant.
Genome position (GRCh38, 1-based): chr2:43,974,713, C>A on the plus strand (G>T on the coding strand, the complement: LRPPRC is on the minus strand). VCF-style: chr2-43974713-C-A. GRCh37 (hg19) VCF-style: chr2-44201852-C-A.
Other names: short protein forms D304Y.
Identifiers: ClinVar variation 3367982 (VCV003367982.1).

ClinVar aggregate classification (germline): Uncertain significance (1 of 4 stars; one submission).

gnomAD v4.1: 1 of 1,613,482 alleles (0.000062%); highest among the groups gnomAD compares: African/African-American, 0.0013%; no homozygotes.

Submission:

GeneDx
Classification: Uncertain significance. Last evaluated: 2024-01-22. Review status: criteria provided, single submitter. Criteria: GeneDx Variant Classification Process June 2021. Collection method: clinical testing. Allele origin: germline. Affected: yes.
Comment: Not observed at significant frequency in large population cohorts (gnomAD); In silico analysis supports that this missense variant has a deleterious effect on protein structure/function; Has not been previously published as pathogenic or benign to our knowledge